The following is an entry in ClinVar:

ClinVar aggregate classification (germline): Uncertain significance (1 of 4 stars; one submission).

Conditions:
EGFR-related lung cancer (EGFR). Identifiers: MedGen CN130014.

Submission:

Labcorp Genetics (formerly Invitae), Labcorp
Classification: Uncertain significance for EGFR-related lung cancer. Last evaluated: 2020-09-28. Review status: criteria provided, single submitter. Criteria: Invitae Variant Classification Sherloc (09022015). Collection method: clinical testing. Allele origin: germline.
Comment: In summary, the available evidence is currently insufficient to determine the role of this variant in disease. Therefore, it has been classified as a Variant of Uncertain Significance. Experimental studies and prediction algorithms are not available or were not evaluated, and the functional significance of this variant is currently unknown. This variant has not been reported in the literature in individuals with EGFR-related conditions. This variant is not present in population databases (ExAC no frequency). This variant, c.33_41del, results in the deletion of 3 amino acid(s) of the EGFR protein (p.Leu14_Ala16del), but otherwise preserves the integrity of the reading frame.

NM_005228.5(EGFR):c.33_41del (p.11LLA[1])

Gene: EGFR (epidermal growth factor receptor; plus strand). Cytogenetic location: 7p11.2.
Variant type: Deletion.
Coding change: c.33_41del on transcript NM_005228.5 (MANE Select); coding-DNA positions 33 to 41, 9 bases deleted (CCTGGCGCT; older notation c.33_41delCCTGGCGCT).
Protein change: p.11LLA[1].
Molecular consequence: inframe deletion.
Genome position (GRCh38, 1-based): chr7:55,019,310-55,019,318, CCTGGCGCT deleted; deleting any 9 consecutive bases within chr7:55,019,305-55,019,318 gives the same sequence; the c. name uses the placement nearest the transcript's 3' end. VCF-style (leftmost placement, unchanged base first): chr7-55019304-AGCGCTCCTG-A. GRCh37 (hg19) VCF-style: chr7-55086997-AGCGCTCCTG-A.
Other names: c.33_41del, p.11LLA[1] (NM_001346897.2, NM_001346898.2, NM_001346899.2 and 4 more transcripts).
Identifiers: ClinVar variation 1063097 (VCV001063097.9), dbSNP rs2128853378, ClinGen allele CA2499218907.